The following is an entry in ClinVar:

ClinVar aggregate classification (germline): Uncertain significance. Review status: criteria provided, multiple submitters, no conflicts (2 of 4 stars). 2 submissions from 2 submitters: Uncertain significance (2). Last evaluated 2025-07-16.

Allele frequency attached by ClinVar (database versions not stated): ExAC 0.00001; gnomAD 0.00001; gnomAD exomes 0.00002.
gnomAD v4.1: 27 of 1,614,228 alleles (0.0017%); highest among the groups gnomAD compares: South Asian, 0.025%; no homozygotes.

Submissions (2):

Labcorp Genetics (formerly Invitae), Labcorp
Classification: Uncertain significance. Last evaluated: 2025-07-16. Review status: criteria provided, single submitter. Criteria: Invitae Variant Classification Sherloc (09022015). Collection method: clinical testing. Allele origin: germline.
Comment: This sequence change replaces valine, which is neutral and non-polar, with isoleucine, which is neutral and non-polar, at codon 362 of the SIAE protein (p.Val362Ile). This variant is present in population databases (rs753761206, gnomAD 0.01%). This variant has not been reported in the literature in individuals affected with SIAE-related conditions. ClinVar contains an entry for this variant (Variation ID: 1353160). An algorithm developed to predict the effect of missense changes on protein structure and function (PolyPhen-2) suggests that this variant is likely to be disruptive. In summary, the available evidence is currently insufficient to determine the role of this variant in disease. Therefore, it has been classified as a Variant of Uncertain Significance.

Ambry Genetics
Classification: Uncertain significance. Last evaluated: 2021-07-20. Review status: criteria provided, single submitter. Criteria: Ambry Variant Classification Scheme 2023. Collection method: clinical testing. Allele origin: germline.

NM_170601.5(SIAE):c.1084G>A (p.Val362Ile)

Gene: SIAE (sialic acid acetylesterase; minus strand). Cytogenetic location: 11q24.2.
Variant type: single nucleotide variant.
Coding change: c.1084G>A on transcript NM_170601.5 (MANE Select); coding-DNA position 1084, G replaced by A.
Protein change: p.Val362Ile; replaces valine 362 with isoleucine.
Molecular consequence: missense variant.
Genome position (GRCh38, 1-based): chr11:124,639,750, C>T on the plus strand (G>A on the coding strand, the complement: SIAE is on the minus strand). VCF-style: chr11-124639750-C-T. GRCh37 (hg19) VCF-style: chr11-124509646-C-T.
Other names: c.1084G>A (NM_170601.4); c.979G>A, p.Val327Ile (NM_001199922.2); short protein forms V327I, V362I.
Identifiers: ClinVar variation 1353160 (VCV001353160.9), dbSNP rs753761206, ClinGen allele CA6341308.